The following is an entry in ClinVar:

NM_000256.3(MYBPC3):c.1363C>G (p.Leu455Val)

Gene: MYBPC3 (myosin binding protein C3; minus strand). Cytogenetic location: 11p11.2.
Variant type: single nucleotide variant.
Coding change: c.1363C>G on transcript NM_000256.3 (MANE Select); coding-DNA position 1363, C replaced by G.
Protein change: p.Leu455Val; replaces leucine 455 with valine.
Molecular consequence: missense variant.
Genome position (GRCh38, 1-based): chr11:47,342,924, G>C on the plus strand (C>G on the coding strand, the complement: MYBPC3 is on the minus strand). VCF-style: chr11-47342924-G-C. GRCh37 (hg19) VCF-style: chr11-47364475-G-C.
Other names: short protein forms L455V.
Identifiers: ClinVar variation 925858 (VCV000925858.11), dbSNP rs747686377, ClinGen allele CA380326384.
Genomic context (GRCh38, chr11:47,342,924, plus strand): 5'-ACTCAAACTCCACCCGCTGCCCCACCATCACCAGCTGGTCCTCCAAGGGGCGCGTGATGA[G>C]CACAGGGGGCTCTGTCCAGGCAGGGTGAGCATGAGGGTTGGCTCCCCTGAGGCCATCTCC-3'
Protein context (NP_000247.2, residues 445-465): TELFVKEPPV[Leu455Val]ITRPLEDQLV

ClinVar aggregate classification (germline): Conflicting classifications of pathogenicity. Review status: criteria provided, conflicting classifications (1 of 4 stars). 3 submissions from 3 submitters: Uncertain significance (2); Likely benign (1). Last evaluated 2026-01-27.

Conditions:
Cardiomyopathy (CMYO). Also called: Cardiomyopathies. Identifiers: Orphanet 167848, MedGen C0878544, MONDO:0004994, HP:0001638. Inheritance: Various modes of inheritance.
Cardiovascular phenotype. Identifiers: MedGen CN230736.
Hypertrophic cardiomyopathy. Also called: HYPERTROPHIC MYOCARDIOPATHY. Identifiers: Orphanet 217569, MedGen C0007194, MeSH D002312, MONDO:0005045, HP:0001639.

gnomAD v4.1: 1 of 1,611,632 alleles (0.000062%); highest among the groups gnomAD compares: Non-Finnish European, 0.000085%; no homozygotes.

Submissions (3):

Labcorp Genetics (formerly Invitae), Labcorp
Classification: Uncertain significance for Hypertrophic cardiomyopathy. Last evaluated: 2026-01-27. Review status: criteria provided, single submitter. Criteria: Invitae Variant Classification Sherloc (09022015). Collection method: clinical testing. Allele origin: germline.
Comment: This sequence change replaces leucine, which is neutral and non-polar, with valine, which is neutral and non-polar, at codon 455 of the MYBPC3 protein (p.Leu455Val). This variant is present in population databases (no rsID available, gnomAD 0.0009%). This variant has not been reported in the literature in individuals affected with MYBPC3-related conditions. ClinVar contains an entry for this variant (Variation ID: 925858). An algorithm developed to predict the effect of missense changes on protein structure and function (PolyPhen-2) suggests that this variant is likely to be tolerated. In summary, the available evidence is currently insufficient to determine the role of this variant in disease. Therefore, it has been classified as a Variant of Uncertain Significance.

Ambry Genetics
Classification: Likely benign for Cardiovascular phenotype. Last evaluated: 2024-12-07. Review status: criteria provided, single submitter. Criteria: Ambry Variant Classification Scheme 2023. Collection method: clinical testing. Allele origin: germline.

Color Diagnostics, LLC DBA Color Health
Classification: Uncertain significance for Cardiomyopathy. Last evaluated: 2023-11-20. Review status: criteria provided, single submitter. Criteria: ACMG Guidelines, 2015. Collection method: clinical testing. Allele origin: germline.
Comment: This missense variant replaces leucine with valine at codon 455 of the MYBPC3 protein. Computational prediction tools indicate that this variant has a neutral impact on protein structure and function. To our knowledge, functional studies have not been reported for this variant. This variant has not been reported in individuals affected with MYBPC3-related disorders in the literature. This variant has been identified in 1/244114 chromosomes in the general population by the Genome Aggregation Database (gnomAD). The available evidence is insufficient to determine the role of this variant in disease conclusively. Therefore, this variant is classified as a Variant of Uncertain Significance.